The following is an entry in ClinVar:

ClinVar aggregate classification (germline): Uncertain significance (1 of 4 stars; one submission).

Allele frequency attached by ClinVar (database versions not stated): gnomAD exomes below 0.00001; TOPMed below 0.00001.
gnomAD v4.1: 2 of 1,613,772 alleles (0.00012%); highest among the groups gnomAD compares: Non-Finnish European, 0.000085%; no homozygotes.

Submission:

Labcorp Genetics (formerly Invitae), Labcorp
Classification: Uncertain significance. Last evaluated: 2023-12-11. Review status: criteria provided, single submitter. Criteria: Invitae Variant Classification Sherloc (09022015). Collection method: clinical testing. Allele origin: germline.
Comment: This sequence change replaces glutamic acid, which is acidic and polar, with alanine, which is neutral and non-polar, at codon 455 of the TTC37 protein (p.Glu455Ala). This variant is not present in population databases (gnomAD no frequency). This variant has not been reported in the literature in individuals affected with TTC37-related conditions. ClinVar contains an entry for this variant (Variation ID: 1487324). Algorithms developed to predict the effect of missense changes on protein structure and function output the following: SIFT: "Not Available"; PolyPhen-2: "Benign"; Align-GVGD: "Not Available". The alanine amino acid residue is found in multiple mammalian species, which suggests that this missense change does not adversely affect protein function. In summary, the available evidence is currently insufficient to determine the role of this variant in disease. Therefore, it has been classified as a Variant of Uncertain Significance.

NM_014639.4(SKIC3):c.1364A>C (p.Glu455Ala)

Gene: SKIC3 (SKI3 subunit of superkiller complex; minus strand). Cytogenetic location: 5q15.
Variant type: single nucleotide variant.
Coding change: c.1364A>C on transcript NM_014639.4 (MANE Select); coding-DNA position 1364, A replaced by C.
Protein change: p.Glu455Ala; replaces glutamic acid 455 with alanine.
Molecular consequence: missense variant.
Genome position (GRCh38, 1-based): chr5:95,524,553, T>G on the plus strand (A>C on the coding strand, the complement: SKIC3 is on the minus strand). VCF-style: chr5-95524553-T-G. GRCh37 (hg19) VCF-style: chr5-94860257-T-G.
Other names: short protein forms E455A.
Identifiers: ClinVar variation 1487324 (VCV001487324.6), dbSNP rs1747536028, ClinGen allele CA360464451.